The following is an entry in ClinVar:

NM_001038603.3(MARVELD2):c.1520C>A (p.Ser507Ter)

Gene: MARVELD2 (MARVEL domain containing 2; plus strand). Cytogenetic location: 5q13.2.
Variant type: single nucleotide variant.
Coding change: c.1520C>A on transcript NM_001038603.3 (MANE Select); coding-DNA position 1520, C replaced by A.
Protein change: p.Ser507Ter; replaces serine 507 with a stop codon.
Molecular consequence: nonsense.
Genome position (GRCh38, 1-based): chr5:69,440,466, C>A. VCF-style: chr5-69440466-C-A. GRCh37 (hg19) VCF-style: chr5-68736293-C-A.
Other names: c.1484C>A, p.Ser495Ter (NM_001244734.2); short protein forms S495*, S507*.
Identifiers: ClinVar variation 4978066 (VCV004978066.1).

ClinVar aggregate classification (germline): Likely pathogenic (1 of 4 stars; one submission).

Conditions:
MARVELD2-related disorder. Also called: MARVELD2-related condition.

gnomAD v4.1: 4 of 1,435,424 alleles (0.00028%); highest among the groups gnomAD compares: Non-Finnish European, 0.00039%; no homozygotes.

Submission:

PreventionGenetics, part of Exact Sciences
Classification: Likely pathogenic for MARVELD2-related condition. Last evaluated: 2026-09-14. Review status: criteria provided, single submitter. Criteria: ACMG Guidelines, 2015. Collection method: clinical testing. Allele origin: germline.
Comment: The MARVELD2 c.1520C>A variant is predicted to result in premature protein termination (p.Ser507*). To our knowledge, this variant has not been reported in the literature. This variant is reported in 0.00089% of alleles in individuals of European (Non-Finnish) descent in gnomAD. Nonsense variants in MARVELD2 are expected to be pathogenic. This variant is interpreted as likely pathogenic.